The following is an entry in ClinVar:

NM_006005.3(WFS1):c.771C>T (p.Gly257=)

Gene: WFS1 (wolframin ER transmembrane glycoprotein; plus strand). Cytogenetic location: 4p16.1.
Variant type: single nucleotide variant.
Coding change: c.771C>T on transcript NM_006005.3 (MANE Select); coding-DNA position 771, C replaced by T.
Protein change: p.Gly257=; no amino-acid change (glycine 257 retained).
Molecular consequence: synonymous variant.
Genome position (GRCh38, 1-based): chr4:6,295,099, C>T. VCF-style: chr4-6295099-C-T. GRCh37 (hg19) VCF-style: chr4-6296826-C-T.
Other names: c.771C>T, p.Gly257= (NM_001145853.1).
Identifiers: ClinVar variation 512082 (VCV000512082.10), dbSNP rs747170989, ClinGen allele CA2839046.
Genomic context (GRCh38, chr4:6,295,099, plus strand): 5'-AGCCAAGAACTACATCGCGCTGGATGACTTTGTGGAGATCACTAAGAAGTACGCCAAGGG[C>T]GTCATCCCCAGCAGCCTGTTCCTGCAGGACGACGAAGATGATGACGAGCTGGCGGGGAAG-3'
Protein context (NP_005996.2, residues 247-267): FVEITKKYAK[Gly257=]VIPSSLFLQD

ClinVar aggregate classification (germline): Likely benign. Review status: criteria provided, multiple submitters, no conflicts (2 of 4 stars). 4 submissions from 4 submitters: Likely benign (4). Last evaluated 2025-04-03.

Conditions:
Wolfram syndrome 1 (WFS1). Identifiers: Orphanet 3463, MedGen C4551693, MONDO:0009101, OMIM 222300.

Allele frequency attached by ClinVar (database versions not stated): gnomAD below 0.00001 and 0.00001; ExAC 0.00002; gnomAD exomes 0.00002.
gnomAD v4.1: 11 of 1,613,390 alleles (0.00068%); highest among the groups gnomAD compares: South Asian, 0.0044%; no homozygotes.

Submissions (4):

Labcorp Genetics (formerly Invitae), Labcorp
Classification: Likely benign. Last evaluated: 2025-04-03. Review status: criteria provided, single submitter. Criteria: Invitae Variant Classification Sherloc (09022015). Collection method: clinical testing. Allele origin: germline.

Blueprint Genetics
Classification: Likely benign. Last evaluated: 2022-10-07. Review status: criteria provided, single submitter. Criteria: ACMG Guidelines, 2015. Collection method: clinical testing. Allele origin: germline.

GeneDx
Classification: Likely benign. Last evaluated: 2017-10-05. Review status: criteria provided, single submitter. Criteria: GeneDx Variant Classification (06012015). Collection method: clinical testing. Allele origin: germline. Affected: yes.
Comment: This variant is considered likely benign or benign based on one or more of the following criteria: it is a conservative change, it occurs at a poorly conserved position in the protein, it is predicted to be benign by multiple in silico algorithms, and/or has population frequency not consistent with disease.

Clinical Genomics, Uppaluri K&H Personalized Medicine Clinic
Classification: Likely benign for Wolfram syndrome 1. Review status: criteria provided, single submitter. Criteria: K & H Uppaluri Personalized Medicine Clinic Variant Classification & Assertion Criteria_Updated V.1. Collection method: research. Allele origin: unknown. Inheritance: Autosomal recessive inheritance.
Comment: Potent mutations in WFS1 gene are associated with Wolfram's syndrome, an autosomal recessive condition, which cause diabetes mellitus, diabetes insipidus, deafness and optic atrophy.However no sufficient evidence is found to ascertain the role of this particular variant rs747170989 in Wolfram's syndrome yet.

Literature cited by the submitters: PubMed 20738327 (cited by Clinical Genomics, Uppaluri K&H Personalized Medicine Clinic); PubMed 33879153 (cited by Clinical Genomics, Uppaluri K&H Personalized Medicine Clinic); PubMed 12955714 (cited by Clinical Genomics, Uppaluri K&H Personalized Medicine Clinic); PubMed 18060660 (cited by Clinical Genomics, Uppaluri K&H Personalized Medicine Clinic); PubMed 20301750 (cited by Clinical Genomics, Uppaluri K&H Personalized Medicine Clinic); PubMed 17603484 (cited by Clinical Genomics, Uppaluri K&H Personalized Medicine Clinic).